The following is an entry in ClinVar:

NM_001001433.3(STX16):c.585G>A (p.Gln195=)

Genes: STX16 (syntaxin 16; plus strand), STX16-NPEPL1 (STX16-NPEPL1 readthrough (NMD candidate); plus strand). Cytogenetic location: 20q13.32.
Variant type: single nucleotide variant.
Coding change: c.585G>A on transcript NM_001001433.3 (MANE Select); coding-DNA position 585, G replaced by A.
Protein change: p.Gln195=; no amino-acid change (glutamine 195 retained).
Molecular consequence: synonymous variant. On other transcripts: non-coding transcript variant (4).
Genome position (GRCh38, 1-based): chr20:58,670,540, G>A. VCF-style: chr20-58670540-G-A. GRCh37 (hg19) VCF-style: chr20-57245596-G-A.
Other names: c.573G>A, p.Gln191= (NM_001134772.3); c.534G>A, p.Gln178= (NM_001134773.3); c.426G>A, p.Gln142= (NM_001204868.2); c.522G>A, p.Gln174= (NM_003763.6).
Identifiers: ClinVar variation 339053 (VCV000339053.36), dbSNP rs147137636, ClinGen allele CA9925371.
Genomic context (GRCh38, chr20:58,670,540, plus strand): 5'-ATTCAAGTAAAATGAATTCCTATCTGTGATAGGCATGAAGAATCGAGAGGAAAGATCCCA[G>A]CATTTTTTCGACACATCAGTACCACTAATGGATGATGGAGACGATAACACTCTTTACCAT-3'
Protein context (NP_001001433.1, residues 185-205): KRMKNREERS[Gln195=]HFFDTSVPLM

ClinVar aggregate classification (germline): Benign/Likely benign. Review status: criteria provided, multiple submitters, no conflicts (2 of 4 stars). 4 submissions from 4 submitters: Benign (2); Likely benign (2). Last evaluated 2025-10-13.

Conditions:
Pseudohypoparathyroidism type 1B (PHP1B). Also called: PHP IB; Pseudohypoparathyroidism Ib (PHP-Ib); Pseudohypoparathyroidism Type IB. Identifiers: Orphanet 94089, MedGen C1864100, MONDO:0011301, OMIM 603233.

Allele frequency attached by ClinVar (database versions not stated): gnomAD exomes 0.00041 and 0.00094; gnomAD 0.00045 and 0.00048; ExAC 0.00046; TOPMed 0.00046; ESP Exome Variant Server 0.00092.

Submissions (4):

Labcorp Genetics (formerly Invitae), Labcorp
Classification: Benign. Last evaluated: 2025-10-13. Review status: criteria provided, single submitter. Criteria: Invitae Variant Classification Sherloc (09022015). Collection method: clinical testing. Allele origin: germline.

CeGaT Center for Human Genetics Tuebingen
Classification: Likely benign. Last evaluated: 2024-01-01. Review status: criteria provided, single submitter. Criteria: CeGaT Center For Human Genetics Tuebingen Variant Classification Criteria Version 2. Collection method: clinical testing. Allele origin: germline. Affected: yes. Observed: 1 variant allele.
Comment: STX16: BP4

Fulgent Genetics
Classification: Likely benign for Pseudohypoparathyroidism type 1B. Last evaluated: 2021-08-02. Review status: criteria provided, single submitter. Criteria: ACMG Guidelines, 2015. Collection method: clinical testing. Allele origin: unknown.

Illumina Laboratory Services, Illumina
Classification: Benign for Pseudohypoparathyroidism type 1B. Last evaluated: 2018-01-12. Review status: criteria provided, single submitter. Criteria: ICSL Variant Classification Criteria 13 December 2019. Collection method: clinical testing. Allele origin: germline.
Comment: This variant was observed in the ICSL laboratory as part of a predisposition screen in an ostensibly healthy population. It had not been previously curated by ICSL or reported in the Human Gene Mutation Database (HGMD: prior to June 1st, 2018), and was therefore a candidate for classification through an automated scoring system. Utilizing variant allele frequency, disease prevalence and penetrance estimates, and inheritance mode, an automated score was calculated to assess if this variant is too frequent to cause the disease. Based on the score and internal cut-off values, a variant classified as benign is not then subjected to further curation. The score for this variant resulted in a classification of benign for this disease.